The following is an entry in ClinVar:

ClinVar aggregate classification (germline): Uncertain significance (1 of 4 stars; one submission).

Conditions:
PKD1-related disorder. Also called: PKD1-related condition.

Submission:

PreventionGenetics, part of Exact Sciences
Classification: Uncertain significance for PKD1-related condition. Last evaluated: 2026-05-12. Review status: criteria provided, single submitter. Criteria: ACMG Guidelines, 2015. Collection method: clinical testing. Allele origin: germline.
Comment: The PKD1 c.6532T>G variant is predicted to result in the amino acid substitution p.Cys2178Gly. To our knowledge, this variant has not been reported in the literature or in a large population database (gnomAD), indicating this variant is rare. Of note, different rare substitutions at the same codon have been reported in individuals with autosomal dominant polycystic kidney and/or liver disease (ADPKD/PLD) (p.Cys2178Ser in Wang et al. 2021. PubMed ID: 33569422; p.Cys2178Tyr in S6 Table of Kinoshita et al. 2016. PubMed ID: 27835667). Although we suspect that the c.6532T>G (p.Cys2178Gly) variant is pathogenic, at this time, the clinical significance of this variant is uncertain due to the absence of conclusive functional and genetic evidence.

NM_001009944.3(PKD1):c.6532T>G (p.Cys2178Gly)

Gene: PKD1 (polycystin 1, transient receptor potential channel interacting; minus strand). Cytogenetic location: 16p13.3.
Variant type: single nucleotide variant.
Coding change: c.6532T>G on transcript NM_001009944.3 (MANE Select); coding-DNA position 6532, T replaced by G.
Protein change: p.Cys2178Gly; replaces cysteine 2178 with glycine.
Molecular consequence: missense variant.
Genome position (GRCh38, 1-based): chr16:2,108,635, A>C on the plus strand (T>G on the coding strand, the complement: PKD1 is on the minus strand). VCF-style: chr16-2108635-A-C. GRCh37 (hg19) VCF-style: chr16-2158636-A-C.
Other names: c.6532T>G, p.Cys2178Gly (NM_000296.4); short protein forms C2178G.
Identifiers: ClinVar variation 4993538 (VCV004993538.1).
Genomic context (GRCh38, chr16:2,108,635, plus strand): 5'-GCCGCTGGCAGCTGGCGGTGCGATACACCTCCCAGCGGTACTCAGTCTGGTAGGTGACGC[A>C]GTCGCGCAGGTCAACGTGGGCCTCCAAGTAGTTGCGCTGTGATCGCCGCATCAGCACCTG-3'
Protein context (NP_001009944.3, residues 2168-2188): YLEAHVDLRD[Cys2178Gly]VTYQTEYRWE